The following is an entry in ClinVar:

NM_001127511.3(APC):c.-14C>T

Gene: APC (APC regulator of Wnt signaling pathway; plus strand). Cytogenetic location: 5q22.2.
Variant type: single nucleotide variant.
Coding change: c.-14C>T on transcript NM_001127511.3; 14 bases upstream of the start codon, C replaced by T.
Molecular consequence: 5 prime UTR variant. On other transcripts: non-coding transcript variant (1), intron variant (5).
Genome position (GRCh38, 1-based): chr5:112,707,704, C>T. VCF-style: chr5-112707704-C-T. GRCh37 (hg19) VCF-style: chr5-112043401-C-T.
Other names: c.-197C>T (NM_001354895.2, NM_001407447.1, NM_001407452.1 and 3 more transcripts); c.-14C>T (NM_001354897.2, NM_001354902.2, NM_001407446.1); c.-1232C>T (NM_001407470.1, NM_001407472.1); c.-19+55C>T (NM_001407448.1, NM_001407450.1, NM_001407457.1 and 1 more transcripts); c.-43+55C>T (NM_001407453.1).
Identifiers: ClinVar variation 548714 (VCV000548714.9), dbSNP rs1554060248, ClinGen allele CA658822488.
Genomic context (GRCh38, chr5:112,707,704, plus strand): 5'-TCCCAGGTACTGTTGTTGGCTGTTGGTGAGGAAGGTGAAGCACTCAGTTGCCTTCTCGGG[C>T]CTCGGCGCCCCCTATGTACGCCTCCCTGGGCTCGGGTCCGGTCGCCCCTTTGCCCGCTTC-3'

ClinVar aggregate classification (germline): Uncertain significance. Review status: criteria provided, single submitter (1 of 4 stars). 2 submissions from 2 submitters: Uncertain significance (1). 1 of the submissions does not count toward it. Last evaluated 2025-12-22.

Conditions:
Familial adenomatous polyposis 1 (FAP1). Also called: FAMILIAL ADENOMATOUS POLYPOSIS 1, ATTENUATED; POLYPOSIS, ADENOMATOUS INTESTINAL. Identifiers: MedGen C2713442, MONDO:0021056, OMIM 175100. Disease mechanism: loss of function.

Submissions (2):

Labcorp Genetics (formerly Invitae), Labcorp
Classification: Uncertain significance for Familial adenomatous polyposis 1. Last evaluated: 2025-12-22. Review status: criteria provided, single submitter. Criteria: Invitae Variant Classification Sherloc (09022015). Collection method: clinical testing. Allele origin: germline.
Comment: This variant occurs in a non-coding region of the APC gene. It does not change the encoded amino acid sequence of the APC protein. This variant is not present in population databases (gnomAD no frequency). This variant has not been reported in the literature in individuals affected with APC-related conditions. ClinVar contains an entry for this variant (Variation ID: 548714). Experimental studies and prediction algorithms are not available or were not evaluated, and the functional significance of this variant is currently unknown. In summary, the available evidence is currently insufficient to determine the role of this variant in disease. Therefore, it has been classified as a Variant of Uncertain Significance.

Counsyl
Classification: Uncertain significance for Familial adenomatous polyposis 1. Last evaluated: 2017-10-11. Review status: no assertion criteria provided. Collection method: clinical testing. Allele origin: unknown. Not counted in ClinVar's aggregate classification.